The following is an entry in ClinVar:

ClinVar aggregate classification (germline): Uncertain significance. Review status: criteria provided, multiple submitters, no conflicts (2 of 4 stars). 3 submissions from 3 submitters: Uncertain significance (3). Last evaluated 2026-04-28.

Conditions:
PCNT-related disorder. Also called: PCNT-related condition.
Microcephalic osteodysplastic primordial dwarfism type II (MOPD2). Also called: MOPD II; OSTEODYSPLASTIC PRIMORDIAL DWARFISM, TYPE II; Microcephalic osteodysplastic primordial dwarfism with tooth abnormalities. Identifiers: Orphanet 2637, MedGen C0432246, MONDO:0008872, OMIM 210720.

Allele frequency attached by ClinVar (database versions not stated): 1000 Genomes Project 30x 0.00016; 1000 Genomes Project 0.00020.
gnomAD v4.1: 26 of 1,614,116 alleles (0.0016%); highest among the groups gnomAD compares: African/African-American, 0.021%; no homozygotes.

Submissions (3):

PreventionGenetics, part of Exact Sciences
Classification: Uncertain significance for PCNT-related condition. Last evaluated: 2026-04-28. Review status: criteria provided, single submitter. Criteria: ACMG Guidelines, 2015. Collection method: clinical testing. Allele origin: germline.
Comment: The PCNT c.1732G>A variant is predicted to result in the amino acid substitution p.Val578Ile. To our knowledge, this variant has not been reported in the literature. This variant is reported in 0.020% of alleles in individuals of African descent in gnomAD. At this time, the clinical significance of this variant is uncertain due to the absence of conclusive functional and genetic evidence.

Fulgent Genetics
Classification: Uncertain significance for Microcephalic osteodysplastic primordial dwarfism type II. Last evaluated: 2024-06-19. Review status: criteria provided, single submitter. Criteria: ACMG Guidelines, 2015. Collection method: clinical testing. Allele origin: germline.

Genetic Services Laboratory, University of Chicago
Classification: Uncertain significance. Last evaluated: 2017-07-12. Review status: criteria provided, single submitter. Criteria: ACMG Guidelines, 2015. Collection method: clinical testing. Allele origin: germline. Affected: no.

NM_006031.6(PCNT):c.1732G>A (p.Val578Ile)

Gene: PCNT (pericentrin; plus strand). Cytogenetic location: 21q22.3.
Variant type: single nucleotide variant.
Coding change: c.1732G>A on transcript NM_006031.6 (MANE Select); coding-DNA position 1732, G replaced by A.
Protein change: p.Val578Ile; replaces valine 578 with isoleucine.
Molecular consequence: missense variant.
Genome position (GRCh38, 1-based): chr21:46,354,039, G>A. VCF-style: chr21-46354039-G-A. GRCh37 (hg19) VCF-style: chr21-47773953-G-A.
Other names: c.1378G>A, p.Val460Ile (NM_001315529.2); short protein forms V460I, V578I.
Identifiers: ClinVar variation 1336118 (VCV001336118.7), dbSNP rs370083877, ClinGen allele CA10078721.